The following is an entry in ClinVar:

ClinVar aggregate classification (germline): Uncertain significance. Review status: criteria provided, multiple submitters, no conflicts (2 of 4 stars). 3 submissions from 3 submitters: Uncertain significance (3). Last evaluated 2026-06-02.

Conditions:
Hereditary cancer-predisposing syndrome. Also called: Tumor predisposition; Neoplastic Syndromes, Hereditary; Hereditary neoplastic syndrome; Hereditary Cancer Syndrome. Identifiers: Orphanet 140162, MedGen C0027672, MeSH D009386, MONDO:0015356.
Familial cancer of breast. Also called: Hereditary breast cancer; BREAST CANCER, FAMILIAL; hereditary breast carcinoma. Identifiers: Orphanet 227535, MedGen C0346153, MONDO:0016419, OMIM 114480. Disease mechanism: loss of function.

Submissions (3):

Ambry Genetics
Classification: Uncertain significance for Hereditary cancer-predisposing syndrome. Last evaluated: 2026-06-02. Review status: criteria provided, single submitter. Criteria: Ambry Variant Classification Scheme 2023. Collection method: clinical testing. Allele origin: germline.
Comment: The p.N744K variant (also known as c.2232T>G), located in coding exon 11 of the BARD1 gene, results from a T to G substitution at nucleotide position 2232. The asparagine at codon 744 is replaced by lysine, an amino acid with similar properties. This amino acid position is poorly conserved in available vertebrate species. In addition, this alteration is predicted to be tolerated by in silico analysis. Based on the available evidence, the clinical significance of this variant remains unclear.

Color Diagnostics, LLC DBA Color Health
Classification: Uncertain significance for Hereditary cancer-predisposing syndrome. Last evaluated: 2024-09-24. Review status: criteria provided, single submitter. Criteria: ACMG Guidelines, 2015. Collection method: clinical testing. Allele origin: germline.
Comment: This missense variant replaces asparagine with lysine at codon 744 of the BARD1 protein. Computational prediction suggests that this variant may not impact protein structure and function (internally defined REVEL score threshold <= 0.5, PMID: 27666373). To our knowledge, functional studies have not been reported for this variant. This variant has not been reported in individuals affected with BARD1-related disorders in the literature. This variant has not been identified in the general population by the Genome Aggregation Database (gnomAD). The available evidence is insufficient to determine the role of this variant in disease conclusively. Therefore, this variant is classified as a Variant of Uncertain Significance.

Labcorp Genetics (formerly Invitae), Labcorp
Classification: Uncertain significance for Familial cancer of breast. Last evaluated: 2019-12-03. Review status: criteria provided, single submitter. Criteria: Invitae Variant Classification Sherloc (09022015). Collection method: clinical testing. Allele origin: germline.
Comment: This variant has not been reported in the literature in individuals with BARD1-related conditions. In summary, the available evidence is currently insufficient to determine the role of this variant in disease. Therefore, it has been classified as a Variant of Uncertain Significance. Algorithms developed to predict the effect of missense changes on protein structure and function (SIFT, PolyPhen-2, Align-GVGD) all suggest that this variant is likely to be tolerated, but these predictions have not been confirmed by published functional studies and their clinical significance is uncertain. This variant is not present in population databases (ExAC no frequency). This sequence change replaces asparagine with lysine at codon 744 of the BARD1 protein (p.Asn744Lys). The asparagine residue is moderately conserved and there is a moderate physicochemical difference between asparagine and lysine.

NM_000465.4(BARD1):c.2232T>G (p.Asn744Lys)

Gene: BARD1 (BRCA1 associated RING domain 1; minus strand). Cytogenetic location: 2q35.
Variant type: single nucleotide variant.
Coding change: c.2232T>G on transcript NM_000465.4 (MANE Select); coding-DNA position 2232, T replaced by G.
Protein change: p.Asn744Lys; replaces asparagine 744 with lysine.
Molecular consequence: missense variant. On other transcripts: non-coding transcript variant (3).
Genome position (GRCh38, 1-based): chr2:214,728,778, A>C on the plus strand (T>G on the coding strand, the complement: BARD1 is on the minus strand). VCF-style: chr2-214728778-A-C. GRCh37 (hg19) VCF-style: chr2-215593502-A-C.
Other names: c.2175T>G, p.Asn725Lys (NM_001282543.2); c.879T>G, p.Asn293Lys (NM_001282545.2); c.822T>G, p.Asn274Lys (NM_001282548.2); c.693T>G, p.Asn231Lys (NM_001282549.2); short protein forms N274K, N744K, N231K, N725K, N293K.
Identifiers: ClinVar variation 834366 (VCV000834366.15), dbSNP rs1692202278, ClinGen allele CA350450077.